The following is an entry in ClinVar:

ClinVar aggregate classification (germline): Uncertain significance. Review status: criteria provided, multiple submitters, no conflicts (2 of 4 stars). 2 submissions from 2 submitters: Uncertain significance (2). Last evaluated 2023-02-16.

Conditions:
Fabry disease. Also called: Fabry's disease; ALPHA-GALACTOSIDASE A DEFICIENCY; ANDERSON-FABRY DISEASE; CERAMIDE TRIHEXOSIDASE DEFICIENCY; GLA DEFICIENCY; Ceramide trihexosidosis. Identifiers: Orphanet 324, MedGen C0002986, MONDO:0010526, OMIM 301500, HP:0001071. Disease mechanism: Fabry disease is due to inactivating mutations in the X-linked GLA gene resulting in deficiency of the enzyme Alpha Galactosidase-A., loss of function.

Submissions (2):

Labcorp Genetics (formerly Invitae), Labcorp
Classification: Uncertain significance for Fabry disease. Last evaluated: 2023-02-16. Review status: criteria provided, single submitter. Criteria: Invitae Variant Classification Sherloc (09022015). Collection method: clinical testing. Allele origin: germline.
Comment: This sequence change replaces leucine, which is neutral and non-polar, with valine, which is neutral and non-polar, at codon 45 of the GLA protein (p.Leu45Val). This variant is not present in population databases (gnomAD no frequency). This variant has not been reported in the literature in individuals affected with GLA-related conditions. Advanced modeling of protein sequence and biophysical properties (such as structural, functional, and spatial information, amino acid conservation, physicochemical variation, residue mobility, and thermodynamic stability) performed at Invitae indicates that this missense variant is expected to disrupt GLA protein function. In summary, the available evidence is currently insufficient to determine the role of this variant in disease. Therefore, it has been classified as a Variant of Uncertain Significance.

Blueprint Genetics
Classification: Uncertain significance. Last evaluated: 2020-11-03. Review status: criteria provided, single submitter. Criteria: ACMG Guidelines, 2015. Collection method: clinical testing. Allele origin: germline.

NM_000169.3(GLA):c.133C>G (p.Leu45Val)

Genes: GLA (galactosidase alpha; minus strand), RPL36A-HNRNPH2 (RPL36A-HNRNPH2 readthrough; plus strand). Cytogenetic location: Xq22.1.
Variant type: single nucleotide variant.
Coding change: c.133C>G on transcript NM_000169.3 (MANE Select); coding-DNA position 133, C replaced by G.
Protein change: p.Leu45Val; replaces leucine 45 with valine.
Molecular consequence: missense variant. On other transcripts: non-coding transcript variant (3), intron variant (2).
Genome position (GRCh38, 1-based): chrX:101,407,771, G>C on the plus strand (C>G on the coding strand, the complement: GLA is on the minus strand). VCF-style: chrX-101407771-G-C. GRCh37 (hg19) VCF-style: chrX-100662759-G-C.
Other names: c.133C>G, p.Leu45Val (NM_001406747.1, NM_001406748.1, NM_001406749.1); c.301-4165G>C (NM_001199973.2); c.178-4165G>C (NM_001199974.2); short protein forms L45V.
Identifiers: ClinVar variation 2870511 (VCV002870511.4), dbSNP rs143084761, ClinGen allele CA413937116.
Genomic context (GRCh38, chrX:101,407,771, plus strand): 5'-TGATGCAGGAATCTGGCTCTTCCTGGCAGTCAAGGTTGCACATGAAGCGCTCCCAGTGCA[G>C]CCAGCCCATGGTAGGCGTCCTTGCCAATCCATTGTCCAGTGCTCTAGCCCCAGGGATGTC-3'
Protein context (NP_000160.1, residues 35-55): GLARTPTMGW[Leu45Val]HWERFMCNLD